The following is an entry in ClinVar:

ClinVar aggregate classification (germline): Uncertain significance (1 of 4 stars; one submission).

gnomAD v4.1: 11 of 1,551,366 alleles (0.00071%); highest among the groups gnomAD compares: East Asian, 0.027%; no homozygotes.

Submission:

Labcorp Genetics (formerly Invitae), Labcorp
Classification: Uncertain significance. Last evaluated: 2025-10-27. Review status: criteria provided, single submitter. Criteria: Invitae Variant Classification Sherloc (09022015). Collection method: clinical testing. Allele origin: germline.
Comment: This sequence change replaces histidine, which is basic and polar, with proline, which is neutral and non-polar, at codon 1576 of the EYS protein (p.His1576Pro). This variant is present in population databases (rs547314043, gnomAD 0.03%). This variant has not been reported in the literature in individuals affected with EYS-related conditions. Invitae Evidence Modeling of protein sequence and biophysical properties (such as structural, functional, and spatial information, amino acid conservation, physicochemical variation, residue mobility, and thermodynamic stability) has been performed for this missense variant. However, the output from this modeling did not meet the statistical confidence thresholds required to predict the impact of this variant on EYS protein function. In summary, the available evidence is currently insufficient to determine the role of this variant in disease. Therefore, it has been classified as a Variant of Uncertain Significance.

NM_001142800.2(EYS):c.4727A>C (p.His1576Pro)

Gene: EYS (EGF-like photoreceptor maintenance factor; minus strand). Cytogenetic location: 6q12.
Variant type: single nucleotide variant.
Coding change: c.4727A>C on transcript NM_001142800.2 (MANE Select); coding-DNA position 4727, A replaced by C.
Protein change: p.His1576Pro; replaces histidine 1576 with proline.
Molecular consequence: missense variant.
Genome position (GRCh38, 1-based): chr6:64,591,140, T>G on the plus strand (A>C on the coding strand, the complement: EYS is on the minus strand). VCF-style: chr6-64591140-T-G. GRCh37 (hg19) VCF-style: chr6-65301033-T-G.
Other names: c.4727A>C, p.His1576Pro (NM_001292009.2); short protein forms H1576P.
Identifiers: ClinVar variation 4712756 (VCV004712756.1).